The following is an entry in ClinVar:

NM_001347721.2(DYRK1A):c.1445_1446delinsTCTACA (p.Asn482fs)

Gene: DYRK1A (dual specificity tyrosine phosphorylation regulated kinase 1A; plus strand). Cytogenetic location: 21q22.13.
Variant type: Indel.
Coding change: c.1445_1446delinsTCTACA on transcript NM_001347721.2 (MANE Select); coding-DNA positions 1445 to 1446, AT replaced by TCTACA.
Protein change: p.Asn482fs; shifts the reading frame from asparagine 482.
Molecular consequence: frameshift variant.
Genome position (GRCh38, 1-based): chr21:37,505,515-37,505,516, AT replaced by TCTACA. VCF-style: chr21-37505515-AT-TCTACA. GRCh37 (hg19) VCF-style: chr21-38877818-AT-TCTACA.
Other names: c.1445_1446delinsTCTACA, p.Asn482fs (NM_001347722.2, NM_130436.2); c.1358_1359delinsTCTACA, p.Asn453fs (NM_001347723.2); c.1472_1473delinsTCTACA, p.Asn491fs (NM_001396.5, NM_101395.2, NM_130438.2); short protein forms N482fs, N453fs, N491fs.
Identifiers: ClinVar variation 423948 (VCV000423948.2), dbSNP rs1064796713, ClinGen allele CA16621005.

ClinVar aggregate classification (germline): Pathogenic (1 of 4 stars; one submission).

Submission:

GeneDx
Classification: Pathogenic. Last evaluated: 2017-02-22. Review status: criteria provided, single submitter. Criteria: GeneDx Variant Classification (06012015). Collection method: clinical testing. Allele origin: germline. Affected: yes.
Comment: The c.1472_1473delATinsTCTACA variant in the DYRK1A gene has not been reported previously as a pathogenic variant nor as a benign variant, to our knowledge. This variant causes a frameshift starting with codon Asparagine 491, changes this amino acid to a Isoleucine residue, and creates a premature Stop codon at position 83 of the new reading frame, denoted p.Asn491IlefsX83. This variant is predicted to cause loss of normal protein function through protein truncation, as the last 273 amino acids of the protein are replaced by 82 incorrect amino acids. The c.1472_1473delATinsTCTACA variant is not observed in large population cohorts (Lek et al., 2016; 1000 Genomes Consortium et al., 2015; Exome Variant Server). We interpret c.1472_1473delATinsTCTACA as a pathogenic variant.